The following is an entry in ClinVar:

NM_020975.6(RET):c.2143C>A (p.Pro715Thr)

Gene: RET (ret proto-oncogene; plus strand). Cytogenetic location: 10q11.21.
Variant type: single nucleotide variant.
Coding change: c.2143C>A on transcript NM_020975.6 (MANE Select); coding-DNA position 2143, C replaced by A.
Protein change: p.Pro715Thr; replaces proline 715 with threonine.
Molecular consequence: missense variant.
Genome position (GRCh38, 1-based): chr10:43,116,590, C>A. VCF-style: chr10-43116590-C-A. GRCh37 (hg19) VCF-style: chr10-43612038-C-A.
Other names: c.1855C>A, p.Pro619Thr (NM_001406770.1, NM_001406766.1, NM_001406767.1); c.1705C>A, p.Pro569Thr (NM_001406771.1, NM_001406773.1); c.1747C>A, p.Pro583Thr (NM_001406772.1, NM_001406769.1); c.1618C>A, p.Pro540Thr (NM_001406774.1); c.1417C>A, p.Pro473Thr (NM_001406775.1, NM_001406776.1, NM_001406777.1 and 1 more transcripts); c.1246C>A, p.Pro416Thr (NM_001406779.1, NM_001406780.1, NM_001406781.1 and 1 more transcripts); c.2143C>A, p.Pro715Thr (NM_000323.2, NM_001406743.1, NM_001406744.1 and 4 more transcripts); c.1381C>A, p.Pro461Thr (NM_001355216.2); and 10 more; short protein forms P461T, P715T, P280T, P373T, P416T, P583T, P670T, P232T.
Identifiers: ClinVar variation 856856 (VCV000856856.11), dbSNP rs1838075429, ClinGen allele CA376554143.
Genomic context (GRCh38, chr10:43,116,590, plus strand): 5'-GTCATCCTCACACTTTTCCCCCCTCTTCTCCCCCTTCCCTCATTTCCAACATAGGAGGAT[C>A]CAAAGTGGGAATTCCCTCGGAAGAACTTGGTTCTTGGAAAAACTCTAGGAGAAGGCGAAT-3'
Protein context (NP_066124.1, residues 705-725): SVDAFKILED[Pro715Thr]KWEFPRKNLV

ClinVar aggregate classification (germline): Uncertain significance. Review status: criteria provided, multiple submitters, no conflicts (2 of 4 stars). 2 submissions from 2 submitters: Uncertain significance (2). Last evaluated 2026-08-10.

Conditions:
Hereditary cancer-predisposing syndrome. Also called: Tumor predisposition; Hereditary neoplastic syndrome; Neoplastic Syndromes, Hereditary; Hereditary Cancer Syndrome. Identifiers: Orphanet 140162, MedGen C0027672, MeSH D009386, MONDO:0015356.
Multiple endocrine neoplasia, type 2 (MEN2). Identifiers: Orphanet 653, MedGen C4048306, MONDO:0019003. Disease mechanism: gain of function.

Allele frequency attached by ClinVar (database versions not stated): gnomAD exomes below 0.00001.
gnomAD v4.1: 2 of 1,613,772 alleles (0.00012%); highest among the groups gnomAD compares: South Asian, 0.0011%; no homozygotes.

Submissions (2):

Ambry Genetics
Classification: Uncertain significance for Hereditary cancer-predisposing syndrome. Last evaluated: 2026-08-10. Review status: criteria provided, single submitter. Criteria: Ambry Variant Classification Scheme 2023. Collection method: clinical testing. Allele origin: germline.
Comment: The p.P715T variant (also known as c.2143C>A), located in coding exon 12 of the RET gene, results from a C to A substitution at nucleotide position 2143. The proline at codon 715 is replaced by threonine, an amino acid with highly similar properties. This amino acid position is highly conserved in available vertebrate species. In addition, this alteration is predicted to be deleterious by in silico analysis. Based on the available evidence, the clinical significance of this variant remains unclear.

Labcorp Genetics (formerly Invitae), Labcorp
Classification: Uncertain significance for Multiple endocrine neoplasia, type 2. Last evaluated: 2025-05-05. Review status: criteria provided, single submitter. Criteria: Invitae Variant Classification Sherloc (09022015). Collection method: clinical testing. Allele origin: germline.
Comment: This sequence change replaces proline, which is neutral and non-polar, with threonine, which is neutral and polar, at codon 715 of the RET protein (p.Pro715Thr). This variant is not present in population databases (gnomAD no frequency). This variant has not been reported in the literature in individuals affected with RET-related conditions. ClinVar contains an entry for this variant (Variation ID: 856856). An algorithm developed to predict the effect of missense changes on protein structure and function (PolyPhen-2) suggests that this variant is likely to be tolerated. In summary, the available evidence is currently insufficient to determine the role of this variant in disease. Therefore, it has been classified as a Variant of Uncertain Significance.